The following is an entry in ClinVar:

ClinVar aggregate classification (germline): Uncertain significance (1 of 4 stars; one submission).

Allele frequency attached by ClinVar (database versions not stated): gnomAD exomes below 0.00001.
gnomAD v4.1: 2 of 1,611,942 alleles (0.00012%); highest among the groups gnomAD compares: South Asian, 0.0022%; no homozygotes.

Submission:

GeneDx
Classification: Uncertain significance. Last evaluated: 2022-09-02. Review status: criteria provided, single submitter. Criteria: GeneDx Variant Classification Process June 2021. Collection method: clinical testing. Allele origin: germline. Affected: yes.
Comment: Not observed at significant frequency in large population cohorts (gnomAD); In silico analysis supports that this missense variant has a deleterious effect on protein structure/function; Has not been previously published as pathogenic or benign to our knowledge

NM_001854.4(COL11A1):c.1913A>T (p.Glu638Val)

Gene: COL11A1 (collagen type XI alpha 1 chain; minus strand). Cytogenetic location: 1p21.1.
Variant type: single nucleotide variant.
Coding change: c.1913A>T on transcript NM_001854.4 (MANE Select); coding-DNA position 1913, A replaced by T.
Protein change: p.Glu638Val; replaces glutamic acid 638 with valine.
Molecular consequence: missense variant. On other transcripts: non-coding transcript variant (1).
Genome position (GRCh38, 1-based): chr1:103,004,475, T>A on the plus strand (A>T on the coding strand, the complement: COL11A1 is on the minus strand). VCF-style: chr1-103004475-T-A. GRCh37 (hg19) VCF-style: chr1-103470031-T-A.
Other names: c.1565A>T, p.Glu522Val (NM_001168249.1, NM_080630.4); c.1796A>T, p.Glu599Val (NM_001190709.2); c.1949A>T, p.Glu650Val (NM_080629.3); short protein forms E522V, E599V, E638V, E650V.
Identifiers: ClinVar variation 2442777 (VCV002442777.1), dbSNP rs1665410595, ClinGen allele CA341172688.